The following is an entry in ClinVar:

ClinVar aggregate classification (germline): Conflicting classifications of pathogenicity. Review status: criteria provided, conflicting classifications (1 of 4 stars). 7 submissions from 7 submitters: Uncertain significance (5); Benign (1); Likely benign (1). Last evaluated 2026-08-03.

Conditions:
MYH7-related disorder. Also called: MYH7-related condition; MYH7-related disease; MYH7-related disorders.
Cardiovascular phenotype. Identifiers: MedGen CN230736.
Cardiomyopathy (CMYO). Also called: Cardiomyopathies. Identifiers: Orphanet 167848, MedGen C0878544, MONDO:0004994, HP:0001638. Inheritance: Various modes of inheritance.
Hypertrophic cardiomyopathy. Also called: HYPERTROPHIC MYOCARDIOPATHY. Identifiers: Orphanet 217569, MedGen C0007194, MeSH D002312, MONDO:0005045, HP:0001639.

Allele frequency attached by ClinVar (database versions not stated): ExAC 0.00002; gnomAD 0.00005 and 0.00006; gnomAD exomes 0.00005; TOPMed 0.00006.
gnomAD v4.1: 26 of 1,613,952 alleles (0.0016%); highest among the groups gnomAD compares: Admixed American, 0.032%; no homozygotes.

Submissions (7):

GeneDx
Classification: Uncertain significance. Last evaluated: 2026-08-03. Review status: criteria provided, single submitter. Criteria: GeneDx Variant Classification Process June 2021. Collection method: clinical testing. Allele origin: germline.
Comment: Has not been previously published as pathogenic or benign in association with an MYH7-related disorder to our knowledge; In silico analysis supports that this missense variant has a deleterious effect on protein structure/function; This variant is associated with the following publications: (PMID: 34542152)

Labcorp Genetics (formerly Invitae), Labcorp
Classification: Uncertain significance for Hypertrophic cardiomyopathy. Last evaluated: 2026-01-13. Review status: criteria provided, single submitter. Criteria: Invitae Variant Classification Sherloc (09022015). Collection method: clinical testing. Allele origin: germline.
Comment: This sequence change replaces aspartic acid, which is acidic and polar, with asparagine, which is neutral and polar, at codon 1272 of the MYH7 protein (p.Asp1272Asn). This variant is present in population databases (rs730880906, gnomAD 0.04%). This variant has not been reported in the literature in individuals affected with MYH7-related conditions. ClinVar contains an entry for this variant (Variation ID: 181385). Invitae Evidence Modeling of protein sequence and biophysical properties (such as structural, functional, and spatial information, amino acid conservation, physicochemical variation, residue mobility, and thermodynamic stability) indicates that this missense variant is expected to disrupt MYH7 protein function with a positive predictive value of 95%. In summary, the available evidence is currently insufficient to determine the role of this variant in disease. Therefore, it has been classified as a Variant of Uncertain Significance.

PreventionGenetics, part of Exact Sciences
Classification: Uncertain significance for MYH7-related condition. Last evaluated: 2025-12-23. Review status: criteria provided, single submitter. Criteria: ACMG Guidelines, 2015. Collection method: clinical testing. Allele origin: germline.
Comment: The MYH7 c.3814G>A variant is predicted to result in the amino acid substitution p.Asp1272Asn. To our knowledge, this variant has not been reported in the literature in individuals with MYH7-related disorders. This variant is reported in 0.040% of alleles in individuals of Latino descent in gnomAD. At this time, the clinical significance of this variant is uncertain due to the absence of conclusive functional and genetic evidence.

Color Diagnostics, LLC DBA Color Health
Classification: Likely benign for Cardiomyopathy. Last evaluated: 2025-09-22. Review status: criteria provided, single submitter. Criteria: ACMG Guidelines, 2015. Collection method: clinical testing. Allele origin: germline.

Ambry Genetics
Classification: Benign for Cardiovascular phenotype. Last evaluated: 2024-03-06. Review status: criteria provided, single submitter. Criteria: Ambry Variant Classification Scheme 2023. Collection method: clinical testing. Allele origin: germline.

All of Us Research Program, National Institutes of Health
Classification: Uncertain significance for Cardiomyopathy. Last evaluated: 2024-02-05. Review status: criteria provided, single submitter. Criteria: ACMG Guidelines, 2015. Collection method: clinical testing. Allele origin: germline. Inheritance: Autosomal dominant inheritance. Observed: 11 variant alleles, 11 heterozygotes.
Comment: This missense variant replaces aspartic acid with asparagine at codon 1272 of the MYH7 protein. Computational prediction suggests that this variant may have deleterious impact on protein structure and function (internally defined REVEL score threshold >= 0.7, PMID: 27666373). To our knowledge, functional studies have not been reported for this variant. This variant has not been reported in individuals affected with MYH7-related disorders in the literature. This variant has been identified in 15/282870 chromosomes in the general population by the Genome Aggregation Database (gnomAD). The available evidence is insufficient to determine the role of this variant in disease conclusively. Therefore, this variant is classified as a Variant of Uncertain Significance.

This study involves interpretation of variants in research participants for the purpose of population health screening. Participant phenotype was not available at the time of variant classification. Additional details can be found in publication PMID: 35346344, PMCID: PMC8962531

Revvity Omics, Revvity
Classification: Uncertain significance. Last evaluated: 2019-08-14. Review status: criteria provided, single submitter. Criteria: ACMG Guidelines, 2015. Collection method: clinical testing. Allele origin: germline.

NM_000257.4(MYH7):c.3814G>A (p.Asp1272Asn)

Gene: MYH7 (myosin heavy chain 7; minus strand). Cytogenetic location: 14q11.2.
Variant type: single nucleotide variant.
Coding change: c.3814G>A on transcript NM_000257.4 (MANE Select); coding-DNA position 3814, G replaced by A.
Protein change: p.Asp1272Asn; replaces aspartic acid 1272 with asparagine.
Molecular consequence: missense variant.
Genome position (GRCh38, 1-based): chr14:23,419,522, C>T on the plus strand (G>A on the coding strand, the complement: MYH7 is on the minus strand). VCF-style: chr14-23419522-C-T. GRCh37 (hg19) VCF-style: chr14-23888731-C-T.
Other names: p.D1272N:GAC>AAC; c.3814G>A (LRG_384t1); short protein forms D1272N.
Identifiers: ClinVar variation 181385 (VCV000181385.23), dbSNP rs730880906, ClinGen allele CA014120.